The following is an entry in ClinVar:

ClinVar aggregate classification (germline): Uncertain significance (1 of 4 stars; one submission).

gnomAD v4.1: 1 of 1,613,136 alleles (0.000062%); highest among the groups gnomAD compares: Non-Finnish European, 0.000085%; no homozygotes.

Submission:

GeneDx
Classification: Uncertain significance. Last evaluated: 2024-09-27. Review status: criteria provided, single submitter. Criteria: GeneDx Variant Classification Process June 2021. Collection method: clinical testing. Allele origin: germline. Affected: yes.
Comment: Not observed at significant frequency in large population cohorts (gnomAD); In silico analysis indicates that this missense variant does not alter protein structure/function; Has not been previously published as pathogenic or benign to our knowledge; This variant is associated with the following publications: (PMID: 28545555)

NM_152703.5(SAMD9L):c.905G>A (p.Arg302Lys)

Gene: SAMD9L (sterile alpha motif domain containing 9 like; minus strand). Cytogenetic location: 7q21.2.
Variant type: single nucleotide variant.
Coding change: c.905G>A on transcript NM_152703.5 (MANE Select); coding-DNA position 905, G replaced by A.
Protein change: p.Arg302Lys; replaces arginine 302 with lysine.
Molecular consequence: missense variant.
Genome position (GRCh38, 1-based): chr7:93,135,067, C>T on the plus strand (G>A on the coding strand, the complement: SAMD9L is on the minus strand). VCF-style: chr7-93135067-C-T. GRCh37 (hg19) VCF-style: chr7-92764380-C-T.
Other names: c.905G>A, p.Arg302Lys (NM_001303497.3, NM_001303498.3, NM_001303500.3 and 5 more transcripts); short protein forms R302K.
Identifiers: ClinVar variation 3774881 (VCV003774881.1).
Genomic context (GRCh38, chr7:93,135,067, plus strand): 5'-TAGAAATACTTATCATTACATATAGAGTGTTTTGGAATAGTATCAACTTCAATGACAAAT[C>T]TGTCAGATGGTGTATTGTTCTGCAGAAGGACTTCCACAAACCTTGGCTCCCGAATACACT-3'
Protein context (NP_689916.2, residues 292-312): VLLQNNTPSD[Arg302Lys]FVIEVDTIPK